The following is an entry in ClinVar:

NM_005188.4(CBL):c.1162G>A (p.Asp388Asn)

Gene: CBL (Cbl proto-oncogene; plus strand). Cytogenetic location: 11q23.3.
Variant type: single nucleotide variant.
Coding change: c.1162G>A on transcript NM_005188.4 (MANE Select); coding-DNA position 1162, G replaced by A.
Protein change: p.Asp388Asn; replaces aspartic acid 388 with asparagine.
Molecular consequence: missense variant.
Genome position (GRCh38, 1-based): chr11:119,278,232, G>A. VCF-style: chr11-119278232-G-A. GRCh37 (hg19) VCF-style: chr11-119148942-G-A.
Other names: short protein forms D388N.
Identifiers: ClinVar variation 4800610 (VCV004800610.1).

ClinVar aggregate classification (germline): Uncertain significance (1 of 4 stars; one submission).

Conditions:
RASopathy. Also called: rasopathies; Noonan spectrum disorder. Identifiers: Orphanet 536391, MedGen C5555857, MONDO:0021060.

gnomAD v4.1: 2 of 1,612,604 alleles (0.00012%); highest among the groups gnomAD compares: South Asian, 0.0011%; no homozygotes.

Submission:

Labcorp Genetics (formerly Invitae), Labcorp
Classification: Uncertain significance for RASopathy. Last evaluated: 2025-06-29. Review status: criteria provided, single submitter. Criteria: Invitae Variant Classification Sherloc (09022015). Collection method: clinical testing. Allele origin: germline.
Comment: This sequence change replaces aspartic acid, which is acidic and polar, with asparagine, which is neutral and polar, at codon 388 of the CBL protein (p.Asp388Asn). This variant is present in population databases (no rsID available, gnomAD 0.003%). This variant has not been reported in the literature in individuals affected with CBL-related conditions. Invitae Evidence Modeling of protein sequence and biophysical properties (such as structural, functional, and spatial information, amino acid conservation, physicochemical variation, residue mobility, and thermodynamic stability) indicates that this missense variant is not expected to disrupt CBL protein function with a negative predictive value of 95%. In summary, the available evidence is currently insufficient to determine the role of this variant in disease. Therefore, it has been classified as a Variant of Uncertain Significance.